The following is an entry in ClinVar:

NM_020693.4(DSCAML1):c.5686+3G>A

Gene: DSCAML1 (DS cell adhesion molecule like 1; minus strand). Cytogenetic location: 11q23.3.
Variant type: single nucleotide variant.
Coding change: c.5686+3G>A on transcript NM_020693.4 (MANE Select); 3 bases into the intron after coding-DNA position 5686, G replaced by A.
Molecular consequence: intron variant.
Genome position (GRCh38, 1-based): chr11:117,430,719, C>T on the plus strand (G>A on the coding strand, the complement: DSCAML1 is on the minus strand). VCF-style: chr11-117430719-C-T. GRCh37 (hg19) VCF-style: chr11-117301435-C-T.
Identifiers: ClinVar variation 4811934 (VCV004811934.1).

ClinVar aggregate classification (germline): Uncertain significance (1 of 4 stars; one submission).

gnomAD v4.1: 11 of 1,608,082 alleles (0.00068%); highest among the groups gnomAD compares: African/African-American, 0.013%; no homozygotes.

Submission:

Labcorp Genetics (formerly Invitae), Labcorp
Classification: Uncertain significance. Last evaluated: 2025-03-13. Review status: criteria provided, single submitter. Criteria: Invitae Variant Classification Sherloc (09022015). Collection method: clinical testing. Allele origin: germline.
Comment: This sequence change falls in intron 32 of the DSCAML1 gene. It does not directly change the encoded amino acid sequence of the DSCAML1 protein. It affects a nucleotide within the consensus splice site. This variant is present in population databases (no rsID available, gnomAD 0.01%). This variant has not been reported in the literature in individuals affected with DSCAML1-related conditions. Variants that disrupt the consensus splice site are a relatively common cause of aberrant splicing (PMID: 17576681, 9536098). Algorithms developed to predict the effect of sequence changes on RNA splicing suggest that this variant is not likely to affect RNA splicing. In summary, the available evidence is currently insufficient to determine the role of this variant in disease. Therefore, it has been classified as a Variant of Uncertain Significance.

Literature cited by the submitters: PubMed 17576681; PubMed 9536098.